The following is an entry in ClinVar:

NM_014049.5(ACAD9):c.1805C>T (p.Ser602Phe)

Genes: ACAD9 (acyl-CoA dehydrogenase family member 9; plus strand), CFAP92 (cilia and flagella associated protein 92 (putative); minus strand). Cytogenetic location: 3q21.3.
Variant type: single nucleotide variant.
Coding change: c.1805C>T on transcript NM_014049.5 (MANE Select); coding-DNA position 1805, C replaced by T.
Protein change: p.Ser602Phe; replaces serine 602 with phenylalanine.
Molecular consequence: missense variant. On other transcripts: non-coding transcript variant (1), intron variant (3).
Genome position (GRCh38, 1-based): chr3:128,912,546, C>T. VCF-style: chr3-128912546-C-T. GRCh37 (hg19) VCF-style: chr3-128631389-C-T.
Other names: c.1436C>T, p.Ser479Phe (NM_001410805.1); c.2312-2213G>A (NM_001348521.2); c.2408-2213G>A (NM_001348520.2); c.3281-2213G>A (NM_001394090.1); short protein forms S479F, S602F.
Identifiers: ClinVar variation 2577092 (VCV002577092.1), dbSNP rs2529107329, ClinGen allele CA354441606.

ClinVar aggregate classification (germline): Likely pathogenic (1 of 4 stars; one submission).

Conditions:
Mitochondrial complex I deficiency. Also called: NADH:Q(1) OXIDOREDUCTASE DEFICIENCY. Identifiers: Orphanet 2609, MedGen C1838979, MeSH C537475, MONDO:0100133.

Submission:

Women's Health and Genetics/Laboratory Corporation of America, LabCorp
Classification: Likely pathogenic for Mitochondrial complex I deficiency. Last evaluated: 2023-07-27. Review status: criteria provided, single submitter. Criteria: LabCorp Variant Classification Summary - May 2015. Collection method: clinical testing. Allele origin: germline.
Comment: Variant summary: ACAD9 c.1805C>T (p.Ser602Phe) results in a non-conservative amino acid change in the encoded protein sequence. Four of five in-silico tools predict a damaging effect of the variant on protein function. The variant was absent in 251468 control chromosomes (gnomAD). c.1805C>T has been reported in the literature in individuals affected with Acyl-Coenzyme dehydrogenase 9 deficiency (Repp_2018). These data indicate that the variant is likely to be associated with disease. To our knowledge, no experimental evidence demonstrating an impact on protein function has been reported. The following publication has been ascertained in the context of this evaluation (PMID: 30025539). No submitters have cited clinical-significance assessments for this variant to ClinVar after 2014. Based on the evidence outlined above, the variant was classified as likely pathogenic.

Literature cited by the submitters: PubMed 30025539.